The following is an entry in ClinVar:

NM_017654.4(SAMD9):c.1218T>C (p.Asp406=)

Gene: SAMD9 (sterile alpha motif domain containing 9; minus strand). Cytogenetic location: 7q21.2.
Variant type: single nucleotide variant.
Coding change: c.1218T>C on transcript NM_017654.4 (MANE Select); coding-DNA position 1218, T replaced by C.
Protein change: p.Asp406=; no amino-acid change (aspartic acid 406 retained).
Molecular consequence: synonymous variant.
Genome position (GRCh38, 1-based): chr7:93,104,880, A>G on the plus strand (T>C on the coding strand, the complement: SAMD9 is on the minus strand). VCF-style: chr7-93104880-A-G. GRCh37 (hg19) VCF-style: chr7-92734193-A-G.
Other names: c.1218T>C (NM_017654.3); c.1218T>C, p.Asp406= (NM_001193307.2).
Identifiers: ClinVar variation 1565567 (VCV001565567.11), dbSNP rs148977164, ClinGen allele CA4343001.

ClinVar aggregate classification (germline): Conflicting classifications of pathogenicity. Review status: criteria provided, conflicting classifications (1 of 4 stars). 4 submissions from 4 submitters: Uncertain significance (1); Likely benign (3). Last evaluated 2026-02-01.

Conditions:
Inborn genetic diseases. Identifiers: MedGen C0950123, MeSH D030342.

Allele frequency attached by ClinVar (database versions not stated): gnomAD 0.00001; ExAC 0.00002; gnomAD exomes 0.00002; TOPMed 0.00003; ESP Exome Variant Server 0.00015.
gnomAD v4.1: 14 of 1,612,880 alleles (0.00087%); highest among the groups gnomAD compares: African/African-American, 0.0013%; no homozygotes.

Submissions (4):

Labcorp Genetics (formerly Invitae), Labcorp
Classification: Likely benign. Last evaluated: 2026-02-01. Review status: criteria provided, single submitter. Criteria: Invitae Variant Classification Sherloc (09022015). Collection method: clinical testing. Allele origin: germline.

Ambry Genetics
Classification: Likely benign for Inborn genetic diseases. Last evaluated: 2024-12-03. Review status: criteria provided, single submitter. Criteria: Ambry Variant Classification Scheme 2023. Collection method: clinical testing. Allele origin: germline.

Blueprint Genetics
Classification: Likely benign. Last evaluated: 2024-06-13. Review status: criteria provided, single submitter. Criteria: ACMG Guidelines, 2015. Collection method: clinical testing. Allele origin: germline.

GeneDx
Classification: Uncertain significance. Last evaluated: 2023-07-25. Review status: criteria provided, single submitter. Criteria: GeneDx Variant Classification Process June 2021. Collection method: clinical testing. Allele origin: germline. Affected: yes.
Comment: Not observed at significant frequency in large population cohorts (gnomAD); In silico analysis supports that this variant does not alter splicing; Has not been previously published as pathogenic or benign to our knowledge